The following is an entry in ClinVar:

NM_033305.3(VPS13A):c.9069A>G (p.Gly3023=)

Gene: VPS13A (vacuolar protein sorting 13 homolog A; plus strand). Cytogenetic location: 9q21.2.
Variant type: single nucleotide variant.
Coding change: c.9069A>G on transcript NM_033305.3 (MANE Select); coding-DNA position 9069, A replaced by G.
Protein change: p.Gly3023=; no amino-acid change (glycine 3023 retained).
Molecular consequence: synonymous variant.
Genome position (GRCh38, 1-based): chr9:77,371,141, A>G. VCF-style: chr9-77371141-A-G. GRCh37 (hg19) VCF-style: chr9-79986057-A-G.
Other names: p.Gly3023=; c.8952A>G, p.Gly2984= (NM_001018037.2); c.9069A>G, p.Gly3023= (NM_001018038.3, NM_015186.4).
Identifiers: ClinVar variation 367428 (VCV000367428.25), dbSNP rs3737289, ClinGen allele CA5093849.

ClinVar aggregate classification (germline): Benign. Review status: criteria provided, multiple submitters, no conflicts (2 of 4 stars). 11 submissions from 11 submitters: Benign (8). 3 of the submissions do not count toward it. Last evaluated 2026-02-04.

Conditions:
VPS13A-related neurodegenerative disease. Also called: LEVINE-CRITCHLEY SYNDROME; Chorea-acanthocytosis; ACANTHOCYTOSIS WITH NEUROLOGIC DISORDER; Choreoacanthocytosis; Choreaacanthocytosis; VPS13A Disease. Identifiers: Orphanet 2388, MedGen C0393576, MONDO:0008695, OMIM 200150.

Allele frequency attached by ClinVar (database versions not stated): ESP Exome Variant Server 0.39766; gnomAD 0.40290; TOPMed 0.40622; 1000 Genomes Project 0.41514; 1000 Genomes Project 30x 0.41724.
gnomAD v4.1: 705,916 of 1,613,544 alleles (44%); highest among the groups gnomAD compares: Admixed American, 54%; 156,776 homozygotes.

Submissions (11):

Labcorp Genetics (formerly Invitae), Labcorp
Classification: Benign. Last evaluated: 2026-02-04. Review status: criteria provided, single submitter. Criteria: Invitae Variant Classification Sherloc (09022015). Collection method: clinical testing. Allele origin: germline.

Blueprint Genetics
Classification: Benign. Last evaluated: 2024-11-27. Review status: criteria provided, single submitter. Criteria: ACMG Guidelines, 2015. Collection method: clinical testing. Allele origin: germline.

Mayo Clinic Laboratories, Mayo Clinic
Classification: Benign. Last evaluated: 2022-03-24. Review status: criteria provided, single submitter. Criteria: ACMG Guidelines, 2015. Collection method: clinical testing. Allele origin: germline. Observed: 435 variant alleles.

Genome-Nilou Lab
Classification: Benign for VPS13A-related neurodegenerative disease. Last evaluated: 2021-07-10. Review status: criteria provided, single submitter. Criteria: ACMG Guidelines, 2015. Collection method: clinical testing. Allele origin: germline. Affected: no.

GeneDx
Classification: Benign. Last evaluated: 2018-07-05. Review status: criteria provided, single submitter. Criteria: GeneDx Variant Classification Process June 2021. Collection method: clinical testing. Allele origin: germline. Affected: yes.

Athena Diagnostics
Classification: Benign. Last evaluated: 2018-05-07. Review status: criteria provided, single submitter. Criteria: Athena Diagnostics Criteria. Collection method: clinical testing. Allele origin: germline.

Illumina Laboratory Services, Illumina
Classification: Benign for VPS13A-related neurodegenerative disease. Last evaluated: 2018-01-12. Review status: criteria provided, single submitter. Criteria: ICSL Variant Classification Criteria 13 December 2019. Collection method: clinical testing. Allele origin: germline.
Comment: This variant was observed in the ICSL laboratory as part of a predisposition screen in an ostensibly healthy population. It had not been previously curated by ICSL or reported in the Human Gene Mutation Database (HGMD: prior to June 1st, 2018), and was therefore a candidate for classification through an automated scoring system. Utilizing variant allele frequency, disease prevalence and penetrance estimates, and inheritance mode, an automated score was calculated to assess if this variant is too frequent to cause the disease. Based on the score and internal cut-off values, a variant classified as benign is not then subjected to further curation. The score for this variant resulted in a classification of benign for this disease.

Breakthrough Genomics
Classification: Benign. Review status: criteria provided, single submitter. Criteria: ACMG Guidelines, 2015. Collection method: not provided. Allele origin: germline. Inheritance: Autosomal recessive inheritance. Affected: yes.

Natera, Inc.
Classification: Benign for Choreaacanthocytosis. Last evaluated: 2020-09-16. Review status: no assertion criteria provided. Collection method: clinical testing. Allele origin: germline. Not counted in ClinVar's aggregate classification.

Diagnostic Laboratory, Department of Genetics, University Medical Center Groningen
Classification: Benign for VPS13A-related neurodegenerative disease. Review status: no assertion criteria provided. Collection method: clinical testing. Allele origin: germline. Affected: yes. Study: VKGL Data-share Consensus. Not counted in ClinVar's aggregate classification.

Genome Diagnostics Laboratory, Amsterdam University Medical Center
Classification: Benign. Review status: no assertion criteria provided. Collection method: clinical testing. Allele origin: germline. Affected: yes. Study: VKGL Data-share Consensus. Not counted in ClinVar's aggregate classification.